The following is an entry in ClinVar:

ClinVar aggregate classification (germline): Uncertain significance. Review status: criteria provided, multiple submitters, no conflicts (2 of 4 stars). 2 submissions from 2 submitters: Uncertain significance (2). Last evaluated 2024-10-12.

Conditions:
Pitt-Hopkins-like syndrome 2 (PTHSL2). Identifiers: Orphanet 221150, Orphanet 600663, MedGen C3280479, MONDO:0013690, OMIM 614325.
Inborn genetic diseases. Identifiers: MedGen C0950123, MeSH D030342.

Allele frequency attached by ClinVar (database versions not stated): gnomAD 0.00003; TOPMed 0.00005.
gnomAD v4.1: 4 of 1,614,068 alleles (0.00025%); highest among the groups gnomAD compares: African/African-American, 0.0053%; no homozygotes.

Submissions (2):

Labcorp Genetics (formerly Invitae), Labcorp
Classification: Uncertain significance for Pitt-Hopkins-like syndrome 2. Last evaluated: 2024-10-12. Review status: criteria provided, single submitter. Criteria: Invitae Variant Classification Sherloc (09022015). Collection method: clinical testing. Allele origin: germline.
Comment: This sequence change replaces lysine, which is basic and polar, with glutamic acid, which is acidic and polar, at codon 1524 of the NRXN1 protein (p.Lys1524Glu). This variant is not present in population databases (gnomAD no frequency). This variant has not been reported in the literature in individuals affected with NRXN1-related conditions. ClinVar contains an entry for this variant (Variation ID: 2089866). Invitae Evidence Modeling of protein sequence and biophysical properties (such as structural, functional, and spatial information, amino acid conservation, physicochemical variation, residue mobility, and thermodynamic stability) indicates that this missense variant is not expected to disrupt NRXN1 protein function with a negative predictive value of 80%. In summary, the available evidence is currently insufficient to determine the role of this variant in disease. Therefore, it has been classified as a Variant of Uncertain Significance.

Ambry Genetics
Classification: Uncertain significance for Inborn genetic diseases. Last evaluated: 2024-05-21. Review status: criteria provided, single submitter. Criteria: Ambry Variant Classification Scheme 2023. Collection method: clinical testing. Allele origin: germline.

NM_001330078.2(NRXN1):c.4450A>G (p.Lys1484Glu)

Gene: NRXN1 (neurexin 1; minus strand). Cytogenetic location: 2p16.3.
Variant type: single nucleotide variant.
Coding change: c.4450A>G on transcript NM_001330078.2 (MANE Select); coding-DNA position 4450, A replaced by G.
Protein change: p.Lys1484Glu; replaces lysine 1484 with glutamic acid.
Molecular consequence: missense variant.
Genome position (GRCh38, 1-based): chr2:49,922,018, T>C on the plus strand (A>G on the coding strand, the complement: NRXN1 is on the minus strand). VCF-style: chr2-49922018-T-C. GRCh37 (hg19) VCF-style: chr2-50149156-T-C.
Other names: c.4570A>G, p.Lys1524Glu (NM_001135659.3); c.355A>G, p.Lys119Glu (NM_001320156.4); c.346A>G, p.Lys116Glu (NM_001320157.4); c.4426A>G, p.Lys1476Glu (NM_001330077.2); c.4417A>G, p.Lys1473Glu (NM_001330082.2); c.4285A>G, p.Lys1429Glu (NM_001330083.2); c.4384A>G, p.Lys1462Glu (NM_001330084.2); c.4423A>G, p.Lys1475Glu (NM_001330085.2); and 13 more; short protein forms K116E, K1414E, K1417E, K1462E, K1476E, K1524E, K446E, K119E.
Identifiers: ClinVar variation 2089866 (VCV002089866.5), dbSNP rs902893972, ClinGen allele CA47801014.